The following is an entry in ClinVar:

ClinVar aggregate classification (germline): Likely pathogenic (0 of 4 stars; one submission).

Conditions:
Retinitis pigmentosa (RP). Identifiers: Orphanet 791, MedGen C0035334, MeSH D012174, MONDO:0019200, OMIM 268000. Inheritance: Autosomal dominant, autosomal recessive and X linked inheritance.

Submission:

Department of Ophthalmology and Visual Sciences Kyoto University
Classification: Likely pathogenic for Retinitis pigmentosa. Review status: no assertion criteria provided. Collection method: not provided. Allele origin: unknown.
ClinVar note: Converted during submission from probable-pathogenic to Likely pathogenic.

NM_000260.4(MYO7A):c.1667G>T (p.Gly556Val)

Gene: MYO7A (myosin VIIA; plus strand). Cytogenetic location: 11q13.5.
Variant type: single nucleotide variant.
Coding change: c.1667G>T on transcript NM_000260.4 (MANE Select); coding-DNA position 1667, G replaced by T.
Protein change: p.Gly556Val; replaces glycine 556 with valine.
Molecular consequence: missense variant.
Genome position (GRCh38, 1-based): chr11:77,162,965, G>T. VCF-style: chr11-77162965-G-T. GRCh37 (hg19) VCF-style: chr11-76874011-G-T.
Other names: c.1667G>T, p.Gly556Val (NM_001127180.2); c.1634G>T, p.Gly545Val (NM_001369365.1); short protein forms G556V, G545V.
Identifiers: ClinVar variation 143064 (VCV000143064.2), dbSNP rs527236085, ClinGen allele CA270005.
Genomic context (GRCh38, chr11:77,162,965, plus strand): 5'-CCAACTACATCCCCCCCAAGAACAACCATGAGACCCAGTTTGGCATCAACCATTTTGCAG[G>T]CATCGTCTACTATGAGACCCAAGGTACAGAGGGCTGCCGGCTGTCTGTCACTCCCTGCCC-3'
Protein context (NP_000251.3, residues 546-566): ETQFGINHFA[Gly556Val]IVYYETQGFL